The following is an entry in ClinVar:

ClinVar aggregate classification (germline): Uncertain significance (1 of 4 stars; one submission).

Conditions:
Inborn genetic diseases. Identifiers: MedGen C0950123, MeSH D030342.

Submission:

Ambry Genetics
Classification: Uncertain significance for Inborn genetic diseases. Last evaluated: 2023-06-03. Review status: criteria provided, single submitter. Criteria: Ambry Variant Classification Scheme 2023. Collection method: clinical testing. Allele origin: germline.
Comment: The p.L946R variant (also known as c.2837T>G), located in coding exon 22 of the LRRK2 gene, results from a T to G substitution at nucleotide position 2837. The leucine at codon 946 is replaced by arginine, an amino acid with dissimilar properties. This amino acid position is conserved. In addition, this alteration is predicted to be tolerated by in silico analysis. Since supporting evidence is limited at this time, the clinical significance of this alteration remains unclear.

NM_198578.4(LRRK2):c.2837T>G (p.Leu946Arg)

Gene: LRRK2 (leucine rich repeat kinase 2; plus strand). Cytogenetic location: 12q12.
Variant type: single nucleotide variant.
Coding change: c.2837T>G on transcript NM_198578.4 (MANE Select); coding-DNA position 2837, T replaced by G.
Protein change: p.Leu946Arg; replaces leucine 946 with arginine.
Molecular consequence: missense variant.
Genome position (GRCh38, 1-based): chr12:40,294,873, T>G. VCF-style: chr12-40294873-T-G. GRCh37 (hg19) VCF-style: chr12-40688675-T-G.
Other names: short protein forms L946R.
Identifiers: ClinVar variation 2567440 (VCV002567440.2), dbSNP rs760187413, ClinGen allele CA384412191.